The following is an entry in ClinVar:

NM_018975.4(TERF2IP):c.709G>C (p.Glu237Gln)

Gene: TERF2IP (TERF2 interacting protein; plus strand). Cytogenetic location: 16q23.1.
Variant type: single nucleotide variant.
Coding change: c.709G>C on transcript NM_018975.4 (MANE Select); coding-DNA position 709, G replaced by C.
Protein change: p.Glu237Gln; replaces glutamic acid 237 with glutamine.
Molecular consequence: missense variant. On other transcripts: non-coding transcript variant (1).
Genome position (GRCh38, 1-based): chr16:75,654,311, G>C. VCF-style: chr16-75654311-G-C. GRCh37 (hg19) VCF-style: chr16-75688209-G-C.
Other names: short protein forms E237Q.
Identifiers: ClinVar variation 1757147 (VCV001757147.4), dbSNP rs1476948451, ClinGen allele CA396819025.

ClinVar aggregate classification (germline): Uncertain significance. Review status: criteria provided, multiple submitters, no conflicts (2 of 4 stars). 2 submissions from 2 submitters: Uncertain significance (2). Last evaluated 2025-12-03.

Allele frequency attached by ClinVar (database versions not stated): gnomAD 0.00001; TOPMed 0.00001.
gnomAD v4.1: 5 of 1,613,836 alleles (0.00031%); highest among the groups gnomAD compares: Middle Eastern, 0.033%; no homozygotes.

Submissions (2):

Labcorp Genetics (formerly Invitae), Labcorp
Classification: Uncertain significance. Last evaluated: 2025-12-03. Review status: criteria provided, single submitter. Criteria: Invitae Variant Classification Sherloc (09022015). Collection method: clinical testing. Allele origin: germline.
Comment: This sequence change replaces glutamic acid, which is acidic and polar, with glutamine, which is neutral and polar, at codon 237 of the TERF2IP protein (p.Glu237Gln). This variant is not present in population databases (gnomAD no frequency). This variant has not been reported in the literature in individuals affected with TERF2IP-related conditions. ClinVar contains an entry for this variant (Variation ID: 1757147). An algorithm developed to predict the effect of missense changes on protein structure and function (PolyPhen-2) suggests that this variant is likely to be disruptive. In summary, the available evidence is currently insufficient to determine the role of this variant in disease. Therefore, it has been classified as a Variant of Uncertain Significance.

Ambry Genetics
Classification: Uncertain significance. Last evaluated: 2024-09-01. Review status: criteria provided, single submitter. Criteria: Ambry Variant Classification Scheme 2023. Collection method: clinical testing. Allele origin: germline.
Comment: The p.E237Q variant (also known as c.709G>C), located in coding exon 2 of the TERF2IP gene, results from a G to C substitution at nucleotide position 709. The glutamic acid at codon 237 is replaced by glutamine, an amino acid with highly similar properties. This amino acid position is conserved. In addition, this alteration is predicted to be tolerated by in silico analysis. Since supporting evidence is limited at this time, the clinical significance of this alteration remains unclear.